The following is an entry in ClinVar:

ClinVar aggregate classification (germline): Uncertain significance. Review status: criteria provided, multiple submitters, no conflicts (2 of 4 stars). 3 submissions from 3 submitters: Uncertain significance (3). Last evaluated 2024-11-22.

Conditions:
Fanconi anemia complementation group G. Also called: FANCG-Related Fanconi Anemia; Fanconi anemia group G. Identifiers: Orphanet 84, MedGen C3469527, MONDO:0013565, OMIM 614082.
Inborn genetic diseases. Identifiers: MedGen C0950123, MeSH D030342.
Fanconi anemia (FA). Also called: Fanconi's anemia. Identifiers: Orphanet 84, MedGen C0015625, MeSH D005199, MONDO:0019391.

Allele frequency attached by ClinVar (database versions not stated): gnomAD exomes below 0.00001; TOPMed below 0.00001; ExAC 0.00001; gnomAD 0.00001.

Submissions (3):

Ambry Genetics
Classification: Uncertain significance for Inborn genetic diseases. Last evaluated: 2024-11-22. Review status: criteria provided, single submitter. Criteria: Ambry Variant Classification Scheme 2023. Collection method: clinical testing. Allele origin: germline.
Comment: The p.Q40P variant (also known as c.119A>C), located in coding exon 2 of the FANCG gene, results from an A to C substitution at nucleotide position 119. The glutamine at codon 40 is replaced by proline, an amino acid with similar properties. This amino acid position is conserved. In addition, the in silico prediction for this alteration is inconclusive. Based on the available evidence, the clinical significance of this variant remains unclear.

Fulgent Genetics
Classification: Uncertain significance for Fanconi anemia complementation group G. Last evaluated: 2024-04-19. Review status: criteria provided, single submitter. Criteria: ACMG Guidelines, 2015. Collection method: clinical testing. Allele origin: germline.

Labcorp Genetics (formerly Invitae), Labcorp
Classification: Uncertain significance for Fanconi anemia. Last evaluated: 2022-05-03. Review status: criteria provided, single submitter. Criteria: Invitae Variant Classification Sherloc (09022015). Collection method: clinical testing. Allele origin: germline.
Comment: This sequence change replaces glutamine, which is neutral and polar, with proline, which is neutral and non-polar, at codon 40 of the FANCG protein (p.Gln40Pro). This variant is present in population databases (rs768317338, gnomAD 0.004%). This variant has not been reported in the literature in individuals affected with FANCG-related conditions. Algorithms developed to predict the effect of missense changes on protein structure and function are either unavailable or do not agree on the potential impact of this missense change (SIFT: "Deleterious"; PolyPhen-2: "Benign"; Align-GVGD: "Class C0"). In summary, the available evidence is currently insufficient to determine the role of this variant in disease. Therefore, it has been classified as a Variant of Uncertain Significance.

NM_004629.2(FANCG):c.119A>C (p.Gln40Pro)

Gene: FANCG (FA complementation group G; minus strand). Cytogenetic location: 9p13.3.
Variant type: single nucleotide variant.
Coding change: c.119A>C on transcript NM_004629.2 (MANE Select); coding-DNA position 119, A replaced by C.
Protein change: p.Gln40Pro; replaces glutamine 40 with proline.
Molecular consequence: missense variant.
Genome position (GRCh38, 1-based): chr9:35,079,207, T>G on the plus strand (A>C on the coding strand, the complement: FANCG is on the minus strand). VCF-style: chr9-35079207-T-G. GRCh37 (hg19) VCF-style: chr9-35079204-T-G.
Other names: short protein forms Q40P.
Identifiers: ClinVar variation 2175867 (VCV002175867.3), dbSNP rs768317338, ClinGen allele CA5040132.